The following is an entry in ClinVar:

NM_182914.3(SYNE2):c.860A>T (p.Asp287Val)

Gene: SYNE2 (spectrin repeat containing nuclear envelope protein 2; plus strand). Cytogenetic location: 14q23.2.
Variant type: single nucleotide variant.
Coding change: c.860A>T on transcript NM_182914.3 (MANE Select); coding-DNA position 860, A replaced by T.
Protein change: p.Asp287Val; replaces aspartic acid 287 with valine.
Molecular consequence: missense variant.
Genome position (GRCh38, 1-based): chr14:63,961,597, A>T. VCF-style: chr14-63961597-A-T. GRCh37 (hg19) VCF-style: chr14-64428315-A-T.
Other names: c.860A>T, p.Asp287Val (NM_015180.6); short protein forms D287V.
Identifiers: ClinVar variation 649188 (VCV000649188.11), dbSNP rs1595894380, ClinGen allele CA389947133.

ClinVar aggregate classification (germline): Uncertain significance. Review status: criteria provided, multiple submitters, no conflicts (2 of 4 stars). 3 submissions from 3 submitters: Uncertain significance (3). Last evaluated 2025-08-18.

Conditions:
Emery-Dreifuss muscular dystrophy 5, autosomal dominant (EDMD5). Also called: EMERY-DREIFUSS MUSCULAR DYSTROPHY 5. Identifiers: Orphanet 261, MedGen C2751805, MONDO:0013072, OMIM 612999.

Allele frequency attached by ClinVar (database versions not stated): gnomAD 0.00001; gnomAD exomes 0.00001.
gnomAD v4.1: 14 of 1,613,980 alleles (0.00087%); highest among the groups gnomAD compares: Middle Eastern, 0.049%; no homozygotes.

Submissions (3):

Labcorp Genetics (formerly Invitae), Labcorp
Classification: Uncertain significance for Emery-Dreifuss muscular dystrophy 5, autosomal dominant. Last evaluated: 2025-08-18. Review status: criteria provided, single submitter. Criteria: Invitae Variant Classification Sherloc (09022015). Collection method: clinical testing. Allele origin: germline.
Comment: This sequence change replaces aspartic acid, which is acidic and polar, with valine, which is neutral and non-polar, at codon 287 of the SYNE2 protein (p.Asp287Val). This variant is not present in population databases (gnomAD no frequency). This variant has not been reported in the literature in individuals affected with SYNE2-related conditions. ClinVar contains an entry for this variant (Variation ID: 649188). An algorithm developed to predict the effect of missense changes on protein structure and function (PolyPhen-2) suggests that this variant is likely to be tolerated. In summary, the available evidence is currently insufficient to determine the role of this variant in disease. Therefore, it has been classified as a Variant of Uncertain Significance.

Ambry Genetics
Classification: Uncertain significance. Last evaluated: 2022-01-26. Review status: criteria provided, single submitter. Criteria: Ambry Variant Classification Scheme 2023. Collection method: clinical testing. Allele origin: germline.

Breakthrough Genomics
Classification: Uncertain significance. Review status: criteria provided, single submitter. Criteria: ACMG Guidelines, 2015. Collection method: not provided. Allele origin: germline. Inheritance: Autosomal dominant inheritance. Affected: yes.